The following is an entry in ClinVar:

NM_001042492.3(NF1):c.4191C>A (p.Phe1397Leu)

Gene: NF1 (neurofibromin 1; plus strand). Cytogenetic location: 17q11.2.
Variant type: single nucleotide variant.
Coding change: c.4191C>A on transcript NM_001042492.3 (MANE Select); coding-DNA position 4191, C replaced by A.
Protein change: p.Phe1397Leu; replaces phenylalanine 1397 with leucine.
Molecular consequence: missense variant.
Genome position (GRCh38, 1-based): chr17:31,258,361, C>A. VCF-style: chr17-31258361-C-A. GRCh37 (hg19) VCF-style: chr17-29585379-C-A.
Other names: c.4128C>A, p.Phe1376Leu (NM_000267.4); short protein forms F1376L, F1397L.
Identifiers: ClinVar variation 480149 (VCV000480149.13), dbSNP rs1555618498, ClinGen allele CA398997567.
Genomic context (GRCh38, chr17:31,258,361, plus strand): 5'-TTAATTCAAACCTTATACTCAATTCTCAACTCCTTGTTTTTAGGTGGTTAGCCAGCGTTT[C>A]CCTCAGAACAGCATCGGTGCAGTAGGAAGTGCCATGTTCCTCAGATTTATCAATCCTGCC-3'
Protein context (NP_001035957.1, residues 1387-1407): ENKKSVVSQR[Phe1397Leu]PQNSIGAVGS

ClinVar aggregate classification (germline): Uncertain significance. Review status: criteria provided, multiple submitters, no conflicts (2 of 4 stars). 3 submissions from 3 submitters: Uncertain significance (3). Last evaluated 2024-06-10.

Conditions:
Cardiovascular phenotype. Identifiers: MedGen CN230736.
Hereditary cancer-predisposing syndrome. Also called: Hereditary neoplastic syndrome; Neoplastic Syndromes, Hereditary; Tumor predisposition; Hereditary Cancer Syndrome. Identifiers: Orphanet 140162, MedGen C0027672, MeSH D009386, MONDO:0015356.
Neurofibromatosis, type 1 (NF1). Also called: VON RECKLINGHAUSEN DISEASE; Peripheral type neurofibromatosis; NEUROFIBROMATOSIS, TYPE I, SOMATIC; Neurofibromatosis, type I. Identifiers: Orphanet 636, MedGen C0027831, MONDO:0018975, OMIM 162200. Disease mechanism: loss of function.

Submissions (3):

Labcorp Genetics (formerly Invitae), Labcorp
Classification: Uncertain significance for Neurofibromatosis, type 1. Last evaluated: 2024-06-10. Review status: criteria provided, single submitter. Criteria: Invitae Variant Classification Sherloc (09022015). Collection method: clinical testing. Allele origin: germline.
Comment: This sequence change replaces phenylalanine, which is neutral and non-polar, with leucine, which is neutral and non-polar, at codon 1376 of the NF1 protein (p.Phe1376Leu). This variant is not present in population databases (gnomAD no frequency). This variant has not been reported in the literature in individuals affected with NF1-related conditions. ClinVar contains an entry for this variant (Variation ID: 480149). Advanced modeling of protein sequence and biophysical properties (such as structural, functional, and spatial information, amino acid conservation, physicochemical variation, residue mobility, and thermodynamic stability) has been performed at Invitae for this missense variant, however the output from this modeling did not meet the statistical confidence thresholds required to predict the impact of this variant on NF1 protein function. In summary, the available evidence is currently insufficient to determine the role of this variant in disease. Therefore, it has been classified as a Variant of Uncertain Significance.

Genome-Nilou Lab
Classification: Uncertain significance for Neurofibromatosis, type 1. Last evaluated: 2022-03-15. Review status: criteria provided, single submitter. Criteria: ACMG Guidelines, 2015. Collection method: clinical testing. Allele origin: germline. Affected: no.

Ambry Genetics
Classification: Uncertain significance for Cardiovascular phenotype; Hereditary cancer-predisposing syndrome. Last evaluated: 2016-07-29. Review status: criteria provided, single submitter. Criteria: Ambry Variant Classification Scheme 2023. Collection method: clinical testing. Allele origin: germline.
Comment: The p.F1376L variant (also known as c.4128C>A), located in coding exon 31 of the NF1 gene, results from a C to A substitution at nucleotide position 4128. The phenylalanine at codon 1376 is replaced by leucine, an amino acid with highly similar properties. This variant was not reported in population based cohorts in the following databases: Database of Single Nucleotide Polymorphisms (dbSNP), NHLBI Exome Sequencing Project (ESP), and 1000 Genomes Project. In the ESP, this variant was not observed in 6503 samples (13006 alleles) with coverage at this position. To date, this alteration has been detected with an allele frequency of approximately 0.001% (greater than 175000 alleles tested) in our clinical cohort. This amino acid position is highly conserved in available vertebrate species. In addition, this alteration is predicted to be deleterious by in silico analysis. Since supporting evidence is limited at this time, the clinical significance of this alteration remains unclear.